The following is an entry in ClinVar:

NM_000135.4(FANCA):c.485C>T (p.Ser162Phe)

Gene: FANCA (FA complementation group A; minus strand). Cytogenetic location: 16q24.3.
Variant type: single nucleotide variant.
Coding change: c.485C>T on transcript NM_000135.4 (MANE Select); coding-DNA position 485, C replaced by T.
Protein change: p.Ser162Phe; replaces serine 162 with phenylalanine.
Molecular consequence: missense variant. On other transcripts: intron variant (1).
Genome position (GRCh38, 1-based): chr16:89,810,744, G>A on the plus strand (C>T on the coding strand, the complement: FANCA is on the minus strand). VCF-style: chr16-89810744-G-A. GRCh37 (hg19) VCF-style: chr16-89877152-G-A.
Other names: c.485C>T, p.Ser162Phe (NM_001018112.3, NM_001286167.3); c.426+185C>T (NM_001351830.2); short protein forms S162F.
Identifiers: ClinVar variation 4870834 (VCV004870834.1).

ClinVar aggregate classification (germline): Uncertain significance (1 of 4 stars; one submission).

Conditions:
Inborn genetic diseases. Identifiers: MedGen C0950123, MeSH D030342.

gnomAD v4.1: 3 of 1,613,026 alleles (0.00019%); highest among the groups gnomAD compares: Non-Finnish European, 0.00025%; no homozygotes.

Submission:

Ambry Genetics
Classification: Uncertain significance for Inborn genetic diseases. Last evaluated: 2026-04-13. Review status: criteria provided, single submitter. Criteria: Ambry Variant Classification Scheme 2023. Collection method: clinical testing. Allele origin: germline.
Comment: The p.S162F variant (also known as c.485C>T), located in coding exon 5 of the FANCA gene, results from a C to T substitution at nucleotide position 485. The serine at codon 162 is replaced by phenylalanine, an amino acid with highly dissimilar properties. This amino acid position is conserved. In addition, this alteration is predicted to be tolerated by in silico analysis. Based on the available evidence, the clinical significance of this variant remains unclear.